The following is an entry in ClinVar:

NM_002907.4(RECQL):c.1629G>T (p.Glu543Asp)

Gene: RECQL (RecQ like helicase; minus strand). Cytogenetic location: 12p12.1.
Variant type: single nucleotide variant.
Coding change: c.1629G>T on transcript NM_002907.4 (MANE Select); coding-DNA position 1629, G replaced by T.
Protein change: p.Glu543Asp; replaces glutamic acid 543 with aspartic acid.
Molecular consequence: missense variant.
Genome position (GRCh38, 1-based): chr12:21,471,466, C>A on the plus strand (G>T on the coding strand, the complement: RECQL is on the minus strand). VCF-style: chr12-21471466-C-A. GRCh37 (hg19) VCF-style: chr12-21624400-C-A.
Other names: c.1629G>T, p.Glu543Asp (NM_032941.3); short protein forms E543D.
Identifiers: ClinVar variation 1776764 (VCV001776764.4), dbSNP rs1385224458, ClinGen allele CA384115156.

ClinVar aggregate classification (germline): Uncertain significance. Review status: criteria provided, multiple submitters, no conflicts (2 of 4 stars). 2 submissions from 2 submitters: Uncertain significance (2). Last evaluated 2024-08-13.

Allele frequency attached by ClinVar (database versions not stated): TOPMed below 0.00001; gnomAD 0.00001.
gnomAD v4.1: 1 of 1,612,954 alleles (0.000062%); highest among the groups gnomAD compares: African/African-American, 0.0013%; no homozygotes.

Submissions (2):

Labcorp Genetics (formerly Invitae), Labcorp
Classification: Uncertain significance. Last evaluated: 2024-08-13. Review status: criteria provided, single submitter. Criteria: Invitae Variant Classification Sherloc (09022015). Collection method: clinical testing. Allele origin: germline.
Comment: This sequence change replaces glutamic acid, which is acidic and polar, with aspartic acid, which is acidic and polar, at codon 543 of the RECQL protein (p.Glu543Asp). This variant is not present in population databases (gnomAD no frequency). This variant has not been reported in the literature in individuals affected with RECQL-related conditions. ClinVar contains an entry for this variant (Variation ID: 1776764). Invitae Evidence Modeling of protein sequence and biophysical properties (such as structural, functional, and spatial information, amino acid conservation, physicochemical variation, residue mobility, and thermodynamic stability) indicates that this missense variant is not expected to disrupt RECQL protein function with a negative predictive value of 80%. In summary, the available evidence is currently insufficient to determine the role of this variant in disease. Therefore, it has been classified as a Variant of Uncertain Significance.

Ambry Genetics
Classification: Uncertain significance. Last evaluated: 2024-03-24. Review status: criteria provided, single submitter. Criteria: Ambry Variant Classification Scheme 2023. Collection method: clinical testing. Allele origin: germline.
Comment: The p.E543D variant (also known as c.1629G>T), located in coding exon 12 of the RECQL gene, results from a G to T substitution at nucleotide position 1629. The glutamic acid at codon 543 is replaced by aspartic acid, an amino acid with highly similar properties. This amino acid position is well conserved in available vertebrate species. In addition, this alteration is predicted to be tolerated by in silico analysis. Since supporting evidence is limited at this time, the clinical significance of this alteration remains unclear.